The following is an entry in ClinVar:

ClinVar aggregate classification (germline): Uncertain significance (1 of 4 stars; one submission).

Conditions:
Fanconi anemia (FA). Also called: Fanconi's anemia. Identifiers: Orphanet 84, MedGen C0015625, MeSH D005199, MONDO:0019391.

gnomAD v4.1: 3 of 1,613,490 alleles (0.00019%); highest among the groups gnomAD compares: Non-Finnish European, 0.00025%; no homozygotes.

Submission:

Labcorp Genetics (formerly Invitae), Labcorp
Classification: Uncertain significance for Fanconi anemia. Last evaluated: 2024-02-14. Review status: criteria provided, single submitter. Criteria: Invitae Variant Classification Sherloc (09022015). Collection method: clinical testing. Allele origin: germline.
Comment: This sequence change replaces cysteine, which is neutral and slightly polar, with serine, which is neutral and polar, at codon 182 of the FANCM protein (p.Cys182Ser). This variant is present in population databases (rs771118299, gnomAD 0.0009%). This variant has not been reported in the literature in individuals affected with FANCM-related conditions. Algorithms developed to predict the effect of missense changes on protein structure and function output the following: SIFT: "Not Available"; PolyPhen-2: "Benign"; Align-GVGD: "Not Available". The serine amino acid residue is found in multiple mammalian species, which suggests that this missense change does not adversely affect protein function. In summary, the available evidence is currently insufficient to determine the role of this variant in disease. Therefore, it has been classified as a Variant of Uncertain Significance.

NM_020937.4(FANCM):c.545G>C (p.Cys182Ser)

Gene: FANCM (FA complementation group M; plus strand). Cytogenetic location: 14q21.2.
Variant type: single nucleotide variant.
Coding change: c.545G>C on transcript NM_020937.4 (MANE Select); coding-DNA position 545, G replaced by C.
Protein change: p.Cys182Ser; replaces cysteine 182 with serine.
Molecular consequence: missense variant.
Genome position (GRCh38, 1-based): chr14:45,137,105, G>C. VCF-style: chr14-45137105-G-C. GRCh37 (hg19) VCF-style: chr14-45606308-G-C.
Other names: c.545G>C, p.Cys182Ser (NM_001308133.2, NM_001308134.2); short protein forms C182S.
Identifiers: ClinVar variation 3670329 (VCV003670329.1).